The following is an entry in ClinVar:

NM_001232.4(CASQ2):c.943G>C (p.Val315Leu)

Gene: CASQ2 (calsequestrin 2; minus strand). Cytogenetic location: 1p13.1.
Variant type: single nucleotide variant.
Coding change: c.943G>C on transcript NM_001232.4 (MANE Select); coding-DNA position 943, G replaced by C.
Protein change: p.Val315Leu; replaces valine 315 with leucine.
Molecular consequence: missense variant.
Genome position (GRCh38, 1-based): chr1:115,702,992, C>G on the plus strand (G>C on the coding strand, the complement: CASQ2 is on the minus strand). VCF-style: chr1-115702992-C-G. GRCh37 (hg19) VCF-style: chr1-116245613-C-G.
Other names: short protein forms V315L.
Identifiers: ClinVar variation 5033689 (VCV005033689.1).

ClinVar aggregate classification (germline): Uncertain significance (1 of 4 stars; one submission).

Conditions:
Cardiovascular phenotype. Identifiers: MedGen CN230736.

Submission:

Ambry Genetics
Classification: Uncertain significance for Cardiovascular phenotype. Last evaluated: 2026-08-31. Review status: criteria provided, single submitter. Criteria: Ambry Variant Classification Scheme 2023. Collection method: clinical testing. Allele origin: germline.
Comment: The p.V315L variant (also known as c.943G>C), located in coding exon 10 of the CASQ2 gene, results from a G to C substitution at nucleotide position 943. The valine at codon 315 is replaced by leucine, an amino acid with highly similar properties. This amino acid position is conserved. In addition, this alteration is predicted to be tolerated by in silico analysis. Based on the available evidence, the clinical significance of this variant remains unclear.